The following is an entry in ClinVar:

ClinVar aggregate classification (germline): Pathogenic (1 of 4 stars; one submission).

Conditions:
Tuberous sclerosis 2 (TSC2). Identifiers: Orphanet 805, MedGen C1860707, MONDO:0013199, OMIM 613254.

Submission:

Labcorp Genetics (formerly Invitae), Labcorp
Classification: Pathogenic for Tuberous sclerosis 2. Last evaluated: 2023-03-02. Review status: criteria provided, single submitter. Criteria: Invitae Variant Classification Sherloc (09022015). Collection method: clinical testing. Allele origin: germline.
Comment: For these reasons, this variant has been classified as Pathogenic. This variant has not been reported in the literature in individuals affected with TSC2-related conditions. This variant is not present in population databases (gnomAD no frequency). This sequence change creates a premature translational stop signal (p.Arg1580Profs*23) in the TSC2 gene. It is expected to result in an absent or disrupted protein product. Loss-of-function variants in TSC2 are known to be pathogenic (PMID: 10205261, 17304050).

Literature cited by the submitters: PubMed 10205261; PubMed 17304050.

NM_000548.5(TSC2):c.4738dup (p.Arg1580fs)

Gene: TSC2 (TSC complex subunit 2; plus strand). Cytogenetic location: 16p13.3.
Variant type: Duplication.
Coding change: c.4738dup on transcript NM_000548.5 (MANE Select); coding-DNA position 4738, one base duplicated (C; older notation c.4738dupC).
Protein change: p.Arg1580fs; shifts the reading frame from arginine 1580.
Molecular consequence: frameshift variant. On other transcripts: non-coding transcript variant (5).
Genome position (GRCh38, 1-based): chr16:2,086,268, C duplicated; the last of 2 consecutive C bases (chr16:2,086,267-2,086,268); duplicating either gives the same sequence. VCF-style (leftmost placement, unchanged base first): chr16-2086266-G-GC. GRCh37 (hg19) VCF-style: chr16-2136267-G-GC.
Other names: c.3193dup, p.Arg1065fs (NM_001406695.1, NM_001406696.1, NM_001406697.1); c.2935dup, p.Arg979fs (NM_001406698.1); c.4609dup, p.Arg1537fs (NM_021055.3, NM_001370405.1); c.4069dup, p.Arg1357fs (NM_001406682.1, NM_001406683.1); c.4066dup, p.Arg1356fs (NM_001406684.1); c.3940dup, p.Arg1314fs (NM_001406685.1, NM_001406686.1); c.3937dup, p.Arg1313fs (NM_001406687.1, NM_001406688.1); c.3325dup, p.Arg1109fs (NM_001406689.1); and 26 more; short protein forms R1065fs, R1088fs, R1336fs, R1357fs, R1380fs, R1509fs, R1513fs, R1514fs.
Identifiers: ClinVar variation 2842197 (VCV002842197.3), dbSNP rs2544373293, ClinGen allele CA2739265848.